The following is an entry in ClinVar:

NM_024529.5(CDC73):c.34A>C (p.Asn12His)

Gene: CDC73 (cell division cycle 73; plus strand). Cytogenetic location: 1q31.2.
Variant type: single nucleotide variant.
Coding change: c.34A>C on transcript NM_024529.5 (MANE Select); coding-DNA position 34, A replaced by C.
Protein change: p.Asn12His; replaces asparagine 12 with histidine.
Molecular consequence: missense variant.
Genome position (GRCh38, 1-based): chr1:193,122,234, A>C. VCF-style: chr1-193122234-A-C. GRCh37 (hg19) VCF-style: chr1-193091364-A-C.
Other names: short protein forms N12H.
Identifiers: ClinVar variation 2869482 (VCV002869482.4), dbSNP rs1675464114, ClinGen allele CA343972791.

ClinVar aggregate classification (germline): Uncertain significance. Review status: criteria provided, multiple submitters, no conflicts (2 of 4 stars). 2 submissions from 2 submitters: Uncertain significance (2). Last evaluated 2024-03-09.

Conditions:
Hereditary cancer-predisposing syndrome. Also called: Neoplastic Syndromes, Hereditary; Hereditary Cancer Syndrome; Hereditary neoplastic syndrome; Tumor predisposition. Identifiers: Orphanet 140162, MedGen C0027672, MeSH D009386, MONDO:0015356.
Parathyroid carcinoma (PRTC). Also called: Parathyroid gland carcinoma; CDC73-Related Parathyroid Carcinoma. Identifiers: Orphanet 143, MedGen C0687150, MONDO:0012004, OMIM 608266, HP:0006780.

Allele frequency attached by ClinVar (database versions not stated): TOPMed below 0.00001.

Submissions (2):

Ambry Genetics
Classification: Uncertain significance for Hereditary cancer-predisposing syndrome. Last evaluated: 2024-03-09. Review status: criteria provided, single submitter. Criteria: Ambry Variant Classification Scheme 2023. Collection method: clinical testing. Allele origin: germline.
Comment: The p.N12H variant (also known as c.34A>C), located in coding exon 1 of the CDC73 gene, results from an A to C substitution at nucleotide position 34. The asparagine at codon 12 is replaced by histidine, an amino acid with similar properties. This amino acid position is conserved. In addition, this alteration is predicted to be tolerated by in silico analysis. Based on the available evidence, the clinical significance of this alteration remains unclear.

Labcorp Genetics (formerly Invitae), Labcorp
Classification: Uncertain significance for Parathyroid carcinoma. Last evaluated: 2023-06-12. Review status: criteria provided, single submitter. Criteria: Invitae Variant Classification Sherloc (09022015). Collection method: clinical testing. Allele origin: germline.
Comment: This sequence change replaces asparagine, which is neutral and polar, with histidine, which is basic and polar, at codon 12 of the CDC73 protein (p.Asn12His). In summary, the available evidence is currently insufficient to determine the role of this variant in disease. Therefore, it has been classified as a Variant of Uncertain Significance. Advanced modeling of protein sequence and biophysical properties (such as structural, functional, and spatial information, amino acid conservation, physicochemical variation, residue mobility, and thermodynamic stability) performed at Invitae indicates that this missense variant is not expected to disrupt CDC73 protein function. This variant has not been reported in the literature in individuals affected with CDC73-related conditions. This variant is not present in population databases (gnomAD no frequency).